The following is an entry in ClinVar:

NM_004006.3(DMD):c.8960C>A (p.Pro2987His)

Gene: DMD (dystrophin; minus strand). Cytogenetic location: Xp21.2.
Variant type: single nucleotide variant.
Coding change: c.8960C>A on transcript NM_004006.3 (MANE Select); coding-DNA position 8960, C replaced by A.
Protein change: p.Pro2987His; replaces proline 2987 with histidine.
Molecular consequence: missense variant.
Genome position (GRCh38, 1-based): chrX:31,444,605, G>T on the plus strand (C>A on the coding strand, the complement: DMD is on the minus strand). VCF-style: chrX-31444605-G-T. GRCh37 (hg19) VCF-style: chrX-31462722-G-T.
Other names: c.8960C>A (NM_004006.2); c.8936C>A, p.Pro2979His (NM_000109.4); c.8948C>A, p.Pro2983His (NM_004009.3); c.8591C>A, p.Pro2864His (NM_004010.3); c.4937C>A, p.Pro1646His (NM_004011.4); c.4928C>A, p.Pro1643His (NM_004012.4); c.1580C>A, p.Pro527His (NM_004013.3, NM_004020.4, NM_004021.3 and 2 more transcripts); c.773C>A, p.Pro258His (NM_004014.3); short protein forms P1646H, P258H, P527H, P1643H, P2864H, P2987H, P2983H, P2979H.
Identifiers: ClinVar variation 1516750 (VCV001516750.10), dbSNP rs2149075905, ClinGen allele CA412655294.

ClinVar aggregate classification (germline): Uncertain significance. Review status: criteria provided, multiple submitters, no conflicts (2 of 4 stars). 2 submissions from 2 submitters: Uncertain significance (2). Last evaluated 2024-12-24.

Conditions:
Duchenne muscular dystrophy (DMD). Also called: MUSCULAR DYSTROPHY, PSEUDOHYPERTROPHIC PROGRESSIVE, DUCHENNE TYPE; Duchenne Muscular Dystrophy (DMD). Identifiers: Orphanet 98896, MedGen C0013264, MONDO:0010679, OMIM 310200.

Submissions (2):

Labcorp Genetics (formerly Invitae), Labcorp
Classification: Uncertain significance for Duchenne muscular dystrophy. Last evaluated: 2024-12-24. Review status: criteria provided, single submitter. Criteria: Invitae Variant Classification Sherloc (09022015). Collection method: clinical testing. Allele origin: germline.
Comment: This sequence change replaces proline, which is neutral and non-polar, with histidine, which is basic and polar, at codon 2987 of the DMD protein (p.Pro2987His). This variant is not present in population databases (gnomAD no frequency). This variant has not been reported in the literature in individuals affected with DMD-related conditions. ClinVar contains an entry for this variant (Variation ID: 1516750). Invitae Evidence Modeling of protein sequence and biophysical properties (such as structural, functional, and spatial information, amino acid conservation, physicochemical variation, residue mobility, and thermodynamic stability) indicates that this missense variant is not expected to disrupt DMD protein function with a negative predictive value of 95%. In summary, the available evidence is currently insufficient to determine the role of this variant in disease. Therefore, it has been classified as a Variant of Uncertain Significance.

GeneDx
Classification: Uncertain significance. Last evaluated: 2022-12-23. Review status: criteria provided, single submitter. Criteria: GeneDx Variant Classification Process June 2021. Collection method: clinical testing. Allele origin: germline. Affected: yes.
Comment: Not observed at significant frequency in large population cohorts (gnomAD); In silico analysis supports that this missense variant has a deleterious effect on protein structure/function; Has not been previously published as pathogenic or benign to our knowledge